The following is an entry in ClinVar:

ClinVar aggregate classification (germline): Uncertain significance (1 of 4 stars; one submission).

Submission:

Ambry Genetics
Classification: Uncertain significance. Last evaluated: 2024-07-31. Review status: criteria provided, single submitter. Criteria: Ambry Variant Classification Scheme 2023. Collection method: clinical testing. Allele origin: germline.
Comment: The p.N279D variant (also known as c.835A>G), located in coding exon 6 of the POLQ gene, results from an A to G substitution at nucleotide position 835. The asparagine at codon 279 is replaced by aspartic acid, an amino acid with highly similar properties. This amino acid position is conserved. In addition, this alteration is predicted to be tolerated by in silico analysis. Based on the available evidence, the clinical significance of this variant remains unclear.

NM_199420.4(POLQ):c.835A>G (p.Asn279Asp)

Gene: POLQ (DNA polymerase theta; minus strand). Cytogenetic location: 3q13.33.
Variant type: single nucleotide variant.
Coding change: c.835A>G on transcript NM_199420.4 (MANE Select); coding-DNA position 835, A replaced by G.
Protein change: p.Asn279Asp; replaces asparagine 279 with aspartic acid.
Molecular consequence: missense variant.
Genome position (GRCh38, 1-based): chr3:121,533,115, T>C on the plus strand (A>G on the coding strand, the complement: POLQ is on the minus strand). VCF-style: chr3-121533115-T-C. GRCh37 (hg19) VCF-style: chr3-121251962-T-C.
Other names: short protein forms N279D.
Identifiers: ClinVar variation 3422476 (VCV003422476.1).